The following is an entry in ClinVar:

ClinVar aggregate classification (germline): Uncertain significance. Review status: criteria provided, multiple submitters, no conflicts (2 of 4 stars). 2 submissions from 2 submitters: Uncertain significance (2). Last evaluated 2023-03-01.

Conditions:
Beck-Fahrner syndrome (BEFAHRS). Identifiers: Orphanet 684216, MedGen C5394097, MONDO:0032922, OMIM 618798.

gnomAD v4.1: 10 of 1,613,192 alleles (0.00062%); highest among the groups gnomAD compares: Non-Finnish European, 0.00076%; no homozygotes.

Submissions (2):

CeGaT Center for Human Genetics Tuebingen
Classification: Uncertain significance. Last evaluated: 2023-03-01. Review status: criteria provided, single submitter. Criteria: CeGaT Center For Human Genetics Tuebingen Variant Classification Criteria Version 2. Collection method: clinical testing. Allele origin: germline. Affected: yes. Observed: 1 variant allele.
Comment: TET3: PM2, BP4

Victorian Clinical Genetics Services, Murdoch Childrens Research Institute
Classification: Uncertain significance for Beck-Fahrner syndrome. Last evaluated: 2022-06-24. Review status: criteria provided, single submitter. Criteria: ACMG Guidelines, 2015. Collection method: clinical testing. Allele origin: germline.
Comment: Based on the classification scheme VCGS_Germline_v1.3.4, this variant is classified as VUS-3C. Following criteria are met: 0102 - Loss of function is a known mechanism of disease in this gene and is associated with Beck-Fahrner syndrome (MIM#618798). While biallelic missense variants have been functionally proven to be hypomorphic, dominant negative could not be excluded as the mechanism for monoallelic variants (PMID: 31928709). (I) 0108 - This gene is associated with both recessive and dominant disease. There is currently no established genotype-phenotype correlation however, null variants have been reported in many autosomal dominant families and only one autosomal recessive family. It has also been noted that both monoallelic and biallelic probands are phenotypically similar (PMID: 31928709, 34719681). (I) 0112 - The condition associated with this gene has incomplete penetrance. Carrier parents in a biallelic family, one of whom had an NMD predicted variant, were reported to be clinically healthy (PMID: 34719681). (I) 0200 - Variant is predicted to result in a missense amino acid change from proline to serine. (I) 0251 - This variant is heterozygous. (I) 0301 - Variant is absent from gnomAD (both v2 and v3). (SP) 0309 - Multiple alternative amino acid changes at the same position have been observed in gnomAD (highest allele count in v2: 2 heterozygotes, 0 homozygotes). (I) 0504 - Same amino acid change has been observed in placental mammals. (SB) 0604 - Variant is not located in an established domain, motif, hotspot or informative constraint region. (I) 0705 - No comparable missense variants have previous evidence for pathogenicity. (I) 0807 - This variant has no previous evidence of pathogenicity. (I) 0905 - No published segregation evidence has been identified for this variant. (I) 1007 - No published functional evidence has been identified for this variant. (I) Legend: (SP) - Supporting pathogenic, (I) - Information, (SB) - Supporting benign

Literature cited by the submitters: PubMed 31928709 (cited by Victorian Clinical Genetics Services, Murdoch Childrens Research Institute); PubMed 34719681 (cited by Victorian Clinical Genetics Services, Murdoch Childrens Research Institute).

NM_001287491.2(TET3):c.4846C>T (p.Pro1616Ser)

Gene: TET3 (tet methylcytosine dioxygenase 3; plus strand). Cytogenetic location: 2p13.1.
Variant type: single nucleotide variant.
Coding change: c.4846C>T on transcript NM_001287491.2 (MANE Select); coding-DNA position 4846, C replaced by T.
Protein change: p.Pro1616Ser; replaces proline 1616 with serine.
Molecular consequence: missense variant.
Genome position (GRCh38, 1-based): chr2:74,101,634, C>T. VCF-style: chr2-74101634-C-T. GRCh37 (hg19) VCF-style: chr2-74328761-C-T.
Other names: c.4846C>T (NM_001287491.1); c.4567C>T, p.Pro1523Ser (NM_001366022.1); c.4441C>T, p.Pro1481Ser (NM_144993.1); short protein forms P1481S, P1523S, P1616S.
Identifiers: ClinVar variation 2651056 (VCV002651056.25), dbSNP rs764975149, ClinGen allele CA347322569.
Genomic context (GRCh38, chr2:74,101,634, plus strand): 5'-CTGAAGTCAGAGGAGAAGCTGTGGGACCCCTTCAGCCTGGAGGAGGGGCCGGCTGAGGAG[C>T]CCCCCAGCAAGGGAGCGGTGAAGGAGGAGAAGGGCGGTGGTGGTGCGGAGGAGGAAGAGG-3'
Protein context (NP_001274420.1, residues 1606-1626): FSLEEGPAEE[Pro1616Ser]PSKGAVKEEK